The following is an entry in ClinVar:

ClinVar aggregate classification (germline): Uncertain significance (1 of 4 stars; one submission).

Conditions:
Dextro-looped transposition of the great arteries. Also called: Dextrotransposition of the great arteries. Identifiers: Orphanet 860, MedGen C3531771, MONDO:0019443, OMIM 608808, HP:0031348.

gnomAD v4.1: 1 of 1,614,038 alleles (0.000062%); highest among the groups gnomAD compares: Admixed American, 0.0017%; no homozygotes.

Submission:

Labcorp Genetics (formerly Invitae), Labcorp
Classification: Uncertain significance for Dextro-looped transposition of the great arteries. Last evaluated: 2025-11-23. Review status: criteria provided, single submitter. Criteria: Invitae Variant Classification Sherloc (09022015). Collection method: clinical testing. Allele origin: germline.
Comment: This sequence change replaces asparagine, which is neutral and polar, with isoleucine, which is neutral and non-polar, at codon 541 of the MED13L protein (p.Asn541Ile). This variant is not present in population databases (gnomAD no frequency). This variant has not been reported in the literature in individuals affected with MED13L-related conditions. Invitae Evidence Modeling of protein sequence and biophysical properties (such as structural, functional, and spatial information, amino acid conservation, physicochemical variation, residue mobility, and thermodynamic stability) indicates that this missense variant is not expected to disrupt MED13L protein function with a negative predictive value of 95%. In summary, the available evidence is currently insufficient to determine the role of this variant in disease. Therefore, it has been classified as a Variant of Uncertain Significance.

NM_015335.5(MED13L):c.1622A>T (p.Asn541Ile)

Gene: MED13L (mediator complex subunit 13L; minus strand). Cytogenetic location: 12q24.21.
Variant type: single nucleotide variant.
Coding change: c.1622A>T on transcript NM_015335.5 (MANE Select); coding-DNA position 1622, A replaced by T.
Protein change: p.Asn541Ile; replaces asparagine 541 with isoleucine.
Molecular consequence: missense variant.
Genome position (GRCh38, 1-based): chr12:116,008,791, T>A on the plus strand (A>T on the coding strand, the complement: MED13L is on the minus strand). VCF-style: chr12-116008791-T-A. GRCh37 (hg19) VCF-style: chr12-116446596-T-A.
Other names: short protein forms N541I.
Identifiers: ClinVar variation 4809739 (VCV004809739.1).